The following is an entry in ClinVar:

NM_000179.3(MSH6):c.3160A>G (p.Ile1054Val)

Gene: MSH6 (mutS homolog 6; plus strand). Cytogenetic location: 2p16.3.
Variant type: single nucleotide variant.
Coding change: c.3160A>G on transcript NM_000179.3 (MANE Select); coding-DNA position 3160, A replaced by G.
Protein change: p.Ile1054Val; replaces isoleucine 1054 with valine.
Molecular consequence: missense variant.
Genome position (GRCh38, 1-based): chr2:47,801,143, A>G. VCF-style: chr2-47801143-A-G. GRCh37 (hg19) VCF-style: chr2-48028282-A-G.
Other names: c.2770A>G, p.Ile924Val (NM_001281492.2); c.2254A>G, p.Ile752Val (NM_001281493.2, NM_001281494.2); short protein forms I1054V, I924V, I752V.
Identifiers: ClinVar variation 525847 (VCV000525847.19), dbSNP rs267608075, ClinGen allele CA070133.

ClinVar aggregate classification (germline): Conflicting classifications of pathogenicity. Review status: criteria provided, conflicting classifications (1 of 4 stars). 5 submissions from 5 submitters: Uncertain significance (4); Likely benign (1). Last evaluated 2025-12-08.

Conditions:
Hereditary cancer-predisposing syndrome. Also called: Neoplastic Syndromes, Hereditary; Tumor predisposition; Hereditary Cancer Syndrome; Hereditary neoplastic syndrome. Identifiers: Orphanet 140162, MedGen C0027672, MeSH D009386, MONDO:0015356.
Hereditary nonpolyposis colorectal neoplasms. Identifiers: MedGen C0009405, MeSH D003123.
Lynch syndrome. Identifiers: Orphanet 144, MedGen C4552100, MONDO:0005835. Disease mechanism: loss of function.

Submissions (5):

Labcorp Genetics (formerly Invitae), Labcorp
Classification: Likely benign for Hereditary nonpolyposis colorectal neoplasms. Last evaluated: 2025-12-08. Review status: criteria provided, single submitter. Criteria: Invitae Variant Classification Sherloc (09022015). Collection method: clinical testing. Allele origin: germline.

Quest Diagnostics Nichols Institute San Juan Capistrano
Classification: Uncertain significance. Last evaluated: 2024-12-13. Review status: criteria provided, single submitter. Criteria: Quest Diagnostics criteria. Collection method: clinical testing. Allele origin: unknown.
Comment: The MSH6 c.3160A>G (p.Ile1054Val) variant has been reported in the published literature in individuals with pancreatic cancer (PMID: 25479140 (2015)), breast cancer (PMID: 34326862 (2021)), and polyps (PMID: 25186627 (2015)). The frequency of this variant in the general population (Genome Aggregation Database) is uninformative in the assessment of its pathogenicity. Analysis of this variant using bioinformatics tools for the prediction of the effect of amino acid changes on protein structure and function yielded predictions that this variant is benign. Based on the available information, we are unable to determine the clinical significance of this variant.

Ambry Genetics
Classification: Uncertain significance for Hereditary cancer-predisposing syndrome. Last evaluated: 2024-01-10. Review status: criteria provided, single submitter. Criteria: Ambry Variant Classification Scheme 2023. Collection method: clinical testing. Allele origin: germline.
Comment: The p.I1054V variant (also known as c.3160A>G), located in coding exon 4 of the MSH6 gene, results from an A to G substitution at nucleotide position 3160. The isoleucine at codon 1054 is replaced by valine, an amino acid with highly similar properties. This amino acid position is not well conserved in available vertebrate species. In addition, this alteration is predicted to be tolerated by in silico analysis. Since supporting evidence is limited at this time, the clinical significance of this alteration remains unclear.

All of Us Research Program, National Institutes of Health
Classification: Uncertain significance for Lynch syndrome. Last evaluated: 2023-12-18. Review status: criteria provided, single submitter. Criteria: ACMG Guidelines, 2015. Collection method: clinical testing. Allele origin: germline. Inheritance: Autosomal dominant inheritance. Observed: 1 variant allele, 1 heterozygote.
Comment: This missense variant replaces isoleucine with valine at codon 1054 of the MSH6 protein. Computational prediction suggests that this variant may not impact protein structure and function (internally defined REVEL score threshold <= 0.5, PMID: 27666373). To our knowledge, functional studies have not been reported for this variant. This variant has not been reported in individuals affected with hereditary cancer in the literature. This variant has been identified in 1/246296 chromosomes in the general population by the Genome Aggregation Database (gnomAD). The available evidence is insufficient to determine the role of this variant in disease conclusively. Therefore, this variant is classified as a Variant of Uncertain Significance.

This study involves interpretation of variants in research participants for the purpose of population health screening. Participant phenotype was not available at the time of variant classification. Additional details can be found in publication PMID: 35346344, PMCID: PMC8962531

Color Diagnostics, LLC DBA Color Health
Classification: Uncertain significance for Hereditary cancer-predisposing syndrome. Last evaluated: 2023-11-24. Review status: criteria provided, single submitter. Criteria: ACMG Guidelines, 2015. Collection method: clinical testing. Allele origin: germline.
Comment: This missense variant replaces isoleucine with valine at codon 1054 of the MSH6 protein. Computational prediction suggests that this variant may not impact protein structure and function (internally defined REVEL score threshold <= 0.5, PMID: 27666373). To our knowledge, functional studies have not been reported for this variant. This variant has been reported in an individual affected with breast cancer (PMID: 25186627). This variant has been identified in 1/246296 chromosomes in the general population by the Genome Aggregation Database (gnomAD). The available evidence is insufficient to determine the role of this variant in disease conclusively. Therefore, this variant is classified as a Variant of Uncertain Significance.

Literature cited by the submitters: PubMed 34326862 (cited by Quest Diagnostics Nichols Institute San Juan Capistrano); PubMed 25186627 (cited by 3 submitters); PubMed 25479140 (cited by Quest Diagnostics Nichols Institute San Juan Capistrano).